The following is an entry in ClinVar:

ClinVar aggregate classification (germline): Uncertain significance (1 of 4 stars; one submission).

Allele frequency attached by ClinVar (database versions not stated): ExAC 0.00001; gnomAD 0.00001; gnomAD exomes 0.00001 and 0.00002; TOPMed 0.00001.
gnomAD v4.1: 10 of 1,610,760 alleles (0.00062%); highest among the groups gnomAD compares: Admixed American, 0.0033%; no homozygotes.

Submission:

Labcorp Genetics (formerly Invitae), Labcorp
Classification: Uncertain significance. Last evaluated: 2025-03-31. Review status: criteria provided, single submitter. Criteria: Invitae Variant Classification Sherloc (09022015). Collection method: clinical testing. Allele origin: germline.
Comment: This sequence change replaces isoleucine, which is neutral and non-polar, with leucine, which is neutral and non-polar, at codon 186 of the MTPAP protein (p.Ile186Leu). This variant is present in population databases (rs755745150, gnomAD 0.006%). This variant has not been reported in the literature in individuals affected with MTPAP-related conditions. ClinVar contains an entry for this variant (Variation ID: 1417352). An algorithm developed to predict the effect of missense changes on protein structure and function (PolyPhen-2) suggests that this variant is likely to be tolerated. Algorithms developed to predict the effect of sequence changes on RNA splicing suggest that this variant may disrupt the consensus splice site. In summary, the available evidence is currently insufficient to determine the role of this variant in disease. Therefore, it has been classified as a Variant of Uncertain Significance.

NM_018109.4(MTPAP):c.556A>C (p.Ile186Leu)

Gene: MTPAP (mitochondrial poly(A) polymerase; minus strand). Cytogenetic location: 10p11.23.
Variant type: single nucleotide variant.
Coding change: c.556A>C on transcript NM_018109.4 (MANE Select); coding-DNA position 556, A replaced by C.
Protein change: p.Ile186Leu; replaces isoleucine 186 with leucine.
Molecular consequence: missense variant.
Genome position (GRCh38, 1-based): chr10:30,337,027, T>G on the plus strand (A>C on the coding strand, the complement: MTPAP is on the minus strand). VCF-style: chr10-30337027-T-G. GRCh37 (hg19) VCF-style: chr10-30625956-T-G.
Other names: short protein forms I186L.
Identifiers: ClinVar variation 1417352 (VCV001417352.6), dbSNP rs755745150, ClinGen allele CA5459148.